The following is an entry in ClinVar:

NM_001256071.3(RNF213):c.10089-8T>C

Gene: RNF213 (ring finger protein 213; plus strand). Cytogenetic location: 17q25.3.
Variant type: single nucleotide variant.
Coding change: c.10089-8T>C on transcript NM_001256071.3 (MANE Select); 8 bases into the intron before coding-DNA position 10089, T replaced by C.
Molecular consequence: intron variant.
Genome position (GRCh38, 1-based): chr17:80,350,293, T>C. VCF-style: chr17-80350293-T-C. GRCh37 (hg19) VCF-style: chr17-78324093-T-C.
Other names: c.10236-8T>C (NM_020914.5, NM_001410195.1).
Identifiers: ClinVar variation 2648423 (VCV002648423.24), dbSNP rs1285713621, ClinGen allele CA627719406.
Genomic context (GRCh38, chr17:80,350,293, plus strand): 5'-TTGGGGAATTTTCTTTTCCATTTTTTTAAGACAGAGAACTCACTTGAATAACTTCCCTTT[T>C]CTTTCAGAAACTGTTTAACGAATACAGCCAAATGTAAAATCCTCATTTTTCAGACAGATT-3'

ClinVar aggregate classification (germline): Uncertain significance (1 of 4 stars; one submission).

Allele frequency attached by ClinVar (database versions not stated): gnomAD exomes below 0.00001.

Submission:

CeGaT Center for Human Genetics Tuebingen
Classification: Uncertain significance. Last evaluated: 2022-11-01. Review status: criteria provided, single submitter. Criteria: CeGaT Center For Human Genetics Tuebingen Variant Classification Criteria Version 2. Collection method: clinical testing. Allele origin: germline. Affected: yes. Observed: 1 variant allele.
Comment: RNF213: PM2, BP4